The following is an entry in ClinVar:

ClinVar aggregate classification (germline): Conflicting classifications of pathogenicity. Review status: criteria provided, conflicting classifications (1 of 4 stars). 3 submissions from 3 submitters: Uncertain significance (1); Likely benign (1). 1 of the submissions does not count toward it. Last evaluated 2026-01-15.

Conditions:
SH3TC2-related disorder. Also called: SH3TC2-related condition; SH3TC2-related disorders. Identifiers: MedGen CN239303.
Charcot-Marie-Tooth disease type 4. Also called: Charcot-Marie-Tooth, Type 4; Charcot-Marie-Tooth disease, type IV. Identifiers: Orphanet 64749, MedGen C4082197, MONDO:0018995.

Allele frequency attached by ClinVar (database versions not stated): gnomAD exomes 0.00002 and 0.00005; ExAC 0.00010; 1000 Genomes Project 30x 0.00016; TOPMed 0.00016; gnomAD 0.00017 and 0.00018; ESP Exome Variant Server 0.00023.
gnomAD v4.1: 66 of 1,613,370 alleles (0.0041%); highest among the groups gnomAD compares: African/African-American, 0.047%; no homozygotes.

Submissions (3):

Labcorp Genetics (formerly Invitae), Labcorp
Classification: Likely benign for Charcot-Marie-Tooth disease type 4. Last evaluated: 2026-01-15. Review status: criteria provided, single submitter. Criteria: Invitae Variant Classification Sherloc (09022015). Collection method: clinical testing. Allele origin: germline.

GeneDx
Classification: Uncertain significance. Last evaluated: 2025-06-10. Review status: criteria provided, single submitter. Criteria: GeneDx Variant Classification Process June 2021. Collection method: clinical testing. Allele origin: germline. Affected: yes.
Comment: Has not been previously published as pathogenic or benign to our knowledge; In silico analysis suggests this variant may impact gene splicing. In the absence of RNA/functional studies, the actual effect of this sequence change is unknown.

PreventionGenetics, part of Exact Sciences
Classification: Likely benign for SH3TC2-related condition. Last evaluated: 2019-08-27. Review status: no assertion criteria provided. Collection method: clinical testing. Allele origin: germline. Not counted in ClinVar's aggregate classification.
Comment: This variant is classified as likely benign based on ACMG/AMP sequence variant interpretation guidelines (Richards et al. 2015 PMID: 25741868, with internal and published modifications).

NM_024577.4(SH3TC2):c.87G>A (p.Ser29=)

Gene: SH3TC2 (SH3 domain and tetratricopeptide repeats 2; minus strand). Cytogenetic location: 5q32.
Variant type: single nucleotide variant.
Coding change: c.87G>A on transcript NM_024577.4 (MANE Select); coding-DNA position 87, G replaced by A.
Protein change: p.Ser29=; no amino-acid change (serine 29 retained).
Molecular consequence: synonymous variant.
Genome position (GRCh38, 1-based): chr5:149,052,206, C>T on the plus strand (G>A on the coding strand, the complement: SH3TC2 is on the minus strand). VCF-style: chr5-149052206-C-T. GRCh37 (hg19) VCF-style: chr5-148431769-C-T.
Identifiers: ClinVar variation 697115 (VCV000697115.13), dbSNP rs148793803, ClinGen allele CA3499631.